The following is an entry in ClinVar:

NM_001081.4(CUBN):c.2863G>A (p.Gly955Ser)

Gene: CUBN (cubilin; minus strand). Cytogenetic location: 10p13.
Variant type: single nucleotide variant.
Coding change: c.2863G>A on transcript NM_001081.4 (MANE Select); coding-DNA position 2863, G replaced by A.
Protein change: p.Gly955Ser; replaces glycine 955 with serine.
Molecular consequence: missense variant.
Genome position (GRCh38, 1-based): chr10:17,068,209, C>T on the plus strand (G>A on the coding strand, the complement: CUBN is on the minus strand). VCF-style: chr10-17068209-C-T. GRCh37 (hg19) VCF-style: chr10-17110208-C-T.
Other names: c.2863G>A (NM_001081.3); short protein forms G955S.
Identifiers: ClinVar variation 1385715 (VCV001385715.8), dbSNP rs567450170, ClinGen allele CA5424838.

ClinVar aggregate classification (germline): Uncertain significance. Review status: criteria provided, multiple submitters, no conflicts (2 of 4 stars). 2 submissions from 2 submitters: Uncertain significance (2). Last evaluated 2023-03-07.

Conditions:
Imerslund-Grasbeck syndrome. Also called: PERNICIOUS ANEMIA, JUVENILE, DUE TO SELECTIVE INTESTINAL MALABSORPTION OF VITAMIN B12, WITH PROTEINURIA; Megaloblastic anemia due to inborn errors of metabolism; ENTEROCYTE COBALAMIN MALABSORPTION; ENTEROCYTE INTRINSIC FACTOR RECEPTOR, DEFECT OF; Imerslund-Gräsbeck syndrome. Identifiers: Orphanet 35858, MedGen C4551825, MONDO:0009853.

Allele frequency attached by ClinVar (database versions not stated): gnomAD exomes 0.00001 and 0.00003; TOPMed 0.00001; ExAC 0.00003.
gnomAD v4.1: 13 of 1,613,606 alleles (0.00081%); highest among the groups gnomAD compares: South Asian, 0.012%; no homozygotes.

Submissions (2):

GeneDx
Classification: Uncertain significance. Last evaluated: 2023-03-07. Review status: criteria provided, single submitter. Criteria: GeneDx Variant Classification Process June 2021. Collection method: clinical testing. Allele origin: germline. Affected: yes.
Comment: In silico analysis supports that this missense variant has a deleterious effect on protein structure/function; Has not been previously published as pathogenic or benign to our knowledge

Labcorp Genetics (formerly Invitae), Labcorp
Classification: Uncertain significance for Imerslund-Grasbeck syndrome. Last evaluated: 2022-06-19. Review status: criteria provided, single submitter. Criteria: Invitae Variant Classification Sherloc (09022015). Collection method: clinical testing. Allele origin: germline.
Comment: This sequence change replaces glycine, which is neutral and non-polar, with serine, which is neutral and polar, at codon 955 of the CUBN protein (p.Gly955Ser). This variant is present in population databases (rs567450170, gnomAD 0.02%). This variant has not been reported in the literature in individuals affected with CUBN-related conditions. Algorithms developed to predict the effect of missense changes on protein structure and function are either unavailable or do not agree on the potential impact of this missense change (SIFT: "Tolerated"; PolyPhen-2: "Probably Damaging"; Align-GVGD: "Class C0"). Algorithms developed to predict the effect of sequence changes on RNA splicing suggest that this variant may create or strengthen a splice site. In summary, the available evidence is currently insufficient to determine the role of this variant in disease. Therefore, it has been classified as a Variant of Uncertain Significance.